The following is an entry in ClinVar:

ClinVar aggregate classification (germline): Uncertain significance (1 of 4 stars; one submission).

Conditions:
Brugada syndrome 8 (BRGDA8). Identifiers: Orphanet 130, MedGen C2751083, MONDO:0013148, OMIM 613123.

Allele frequency attached by ClinVar (database versions not stated): ExAC 0.00001; gnomAD exomes 0.00001 and 0.00002; TOPMed 0.00001; gnomAD 0.00002.
gnomAD v4.1: 25 of 1,605,128 alleles (0.0016%); highest among the groups gnomAD compares: Non-Finnish European, 0.0019%; no homozygotes.

Submission:

Labcorp Genetics (formerly Invitae), Labcorp
Classification: Uncertain significance for Brugada syndrome 8. Last evaluated: 2025-09-07. Review status: criteria provided, single submitter. Criteria: Invitae Variant Classification Sherloc (09022015). Collection method: clinical testing. Allele origin: germline.
Comment: This sequence change replaces arginine, which is basic and polar, with glutamine, which is neutral and polar, at codon 750 of the HCN4 protein (p.Arg750Gln). This variant is present in population databases (rs774330689, gnomAD 0.003%). This variant has not been reported in the literature in individuals affected with HCN4-related conditions. ClinVar contains an entry for this variant (Variation ID: 650438). Invitae Evidence Modeling of protein sequence and biophysical properties (such as structural, functional, and spatial information, amino acid conservation, physicochemical variation, residue mobility, and thermodynamic stability) has been performed for this missense variant. However, the output from this modeling did not meet the statistical confidence thresholds required to predict the impact of this variant on HCN4 protein function. In summary, the available evidence is currently insufficient to determine the role of this variant in disease. Therefore, it has been classified as a Variant of Uncertain Significance.

NM_005477.3(HCN4):c.2249G>A (p.Arg750Gln)

Gene: HCN4 (hyperpolarization activated cyclic nucleotide gated potassium channel 4; minus strand). Cytogenetic location: 15q24.1.
Variant type: single nucleotide variant.
Coding change: c.2249G>A on transcript NM_005477.3 (MANE Select); coding-DNA position 2249, G replaced by A.
Protein change: p.Arg750Gln; replaces arginine 750 with glutamine.
Molecular consequence: missense variant.
Genome position (GRCh38, 1-based): chr15:73,323,844, C>T on the plus strand (G>A on the coding strand, the complement: HCN4 is on the minus strand). VCF-style: chr15-73323844-C-T. GRCh37 (hg19) VCF-style: chr15-73616185-C-T.
Other names: short protein forms R750Q.
Identifiers: ClinVar variation 650438 (VCV000650438.8), dbSNP rs774330689, ClinGen allele CA7649068.